The following is an entry in ClinVar:

ClinVar aggregate classification (germline): Uncertain significance (1 of 4 stars; one submission).

Conditions:
Neuronal ceroid lipofuscinosis. Also called: Neuronal Ceroid Lipofuscinoses. Identifiers: Orphanet 216, Orphanet 79263, MedGen C0027877, MONDO:0016295. Disease mechanism: loss of function.

Submission:

Labcorp Genetics (formerly Invitae), Labcorp
Classification: Uncertain significance for Neuronal ceroid lipofuscinosis. Last evaluated: 2021-11-19. Review status: criteria provided, single submitter. Criteria: Invitae Variant Classification Sherloc (09022015). Collection method: clinical testing. Allele origin: germline.
Comment: In summary, the available evidence is currently insufficient to determine the role of this variant in disease. Therefore, it has been classified as a Variant of Uncertain Significance. Advanced modeling of protein sequence and biophysical properties (such as structural, functional, and spatial information, amino acid conservation, physicochemical variation, residue mobility, and thermodynamic stability) performed at Invitae indicates that this missense variant is not expected to disrupt CLN8 protein function. This variant has not been reported in the literature in individuals affected with CLN8-related conditions. This variant is not present in population databases (gnomAD no frequency). This sequence change replaces alanine, which is neutral and non-polar, with valine, which is neutral and non-polar, at codon 270 of the CLN8 protein (p.Ala270Val).

NM_018941.4(CLN8):c.809C>T (p.Ala270Val)

Gene: CLN8 (CLN8 transmembrane ER and ERGIC protein; plus strand). Cytogenetic location: 8p23.3.
Variant type: single nucleotide variant.
Coding change: c.809C>T on transcript NM_018941.4 (MANE Select); coding-DNA position 809, C replaced by T.
Protein change: p.Ala270Val; replaces alanine 270 with valine.
Molecular consequence: missense variant.
Genome position (GRCh38, 1-based): chr8:1,780,515, C>T. VCF-style: chr8-1780515-C-T. GRCh37 (hg19) VCF-style: chr8-1728681-C-T.
Other names: short protein forms A270V.
Identifiers: ClinVar variation 1495261 (VCV001495261.4), dbSNP rs2129015316, ClinGen allele CA369954370.